The following is an entry in ClinVar:

NM_173354.5(SIK1):c.1670G>A (p.Gly557Asp)

Gene: SIK1 (salt inducible kinase 1; minus strand). Cytogenetic location: 21q22.3.
Variant type: single nucleotide variant.
Coding change: c.1670G>A on transcript NM_173354.5 (MANE Select); coding-DNA position 1670, G replaced by A.
Protein change: p.Gly557Asp; replaces glycine 557 with aspartic acid.
Molecular consequence: missense variant.
Genome position (GRCh38, 1-based): chr21:43,418,334, C>T on the plus strand (G>A on the coding strand, the complement: SIK1 is on the minus strand). VCF-style: chr21-43418334-C-T. GRCh37 (hg19) VCF-style: chr21-44838214-C-T.
Other names: c.1670G>A (NM_173354.3); short protein forms G557D.
Identifiers: ClinVar variation 1345683 (VCV001345683.9), dbSNP rs372101645, ClinGen allele CA410607546.
Genomic context (GRCh38, chr21:43,418,334, plus strand): 5'-GTGTCCGACGCCCGCCGTCCCTCCTGGAAGCTGACAGGGAGCAGAACAGCTCCTCCCAAG[C>T]CCCCCTGAGCCTGCAGCACTGGGGTGGCGGACTGCGACCCCAGGAAGGGCGAGGCCAGCC-3'
Protein context (NP_775490.2, residues 547-567): SATPVLQAQG[Gly557Asp]LGGAVLLPVS

ClinVar aggregate classification (germline): Uncertain significance. Review status: criteria provided, multiple submitters, no conflicts (2 of 4 stars). 2 submissions from 2 submitters: Uncertain significance (2). Last evaluated 2024-09-23.

Conditions:
Inborn genetic diseases. Identifiers: MedGen C0950123, MeSH D030342.
Developmental and epileptic encephalopathy, 30 (DEE30). Also called: Epileptic encephalopathy, early infantile, 30. Identifiers: MedGen C4225360, MONDO:0014595, OMIM 616341.

Submissions (2):

Labcorp Genetics (formerly Invitae), Labcorp
Classification: Uncertain significance for Developmental and epileptic encephalopathy, 30. Last evaluated: 2024-09-23. Review status: criteria provided, single submitter. Criteria: Invitae Variant Classification Sherloc (09022015). Collection method: clinical testing. Allele origin: germline.
Comment: This sequence change replaces glycine, which is neutral and non-polar, with aspartic acid, which is acidic and polar, at codon 557 of the SIK1 protein (p.Gly557Asp). This variant is not present in population databases (gnomAD no frequency). This variant has not been reported in the literature in individuals affected with SIK1-related conditions. ClinVar contains an entry for this variant (Variation ID: 1345683). Invitae Evidence Modeling of protein sequence and biophysical properties (such as structural, functional, and spatial information, amino acid conservation, physicochemical variation, residue mobility, and thermodynamic stability) indicates that this missense variant is not expected to disrupt SIK1 protein function with a negative predictive value of 95%. In summary, the available evidence is currently insufficient to determine the role of this variant in disease. Therefore, it has been classified as a Variant of Uncertain Significance.

Ambry Genetics
Classification: Uncertain significance for Inborn genetic diseases. Last evaluated: 2023-03-02. Review status: criteria provided, single submitter. Criteria: Ambry Variant Classification Scheme 2023. Collection method: clinical testing. Allele origin: germline.